The following is an entry in ClinVar:

ClinVar aggregate classification (germline): Likely benign (1 of 4 stars; one submission).

gnomAD v4.1: 1 of 1,614,110 alleles (0.000062%); highest among the groups gnomAD compares: Non-Finnish European, 0.000085%; no homozygotes.

Submission:

CeGaT Center for Human Genetics Tuebingen
Classification: Likely benign. Last evaluated: 2026-04-01. Review status: criteria provided, single submitter. Criteria: CeGaT Center For Human Genetics Tuebingen Variant Classification Criteria Version 2. Collection method: clinical testing. Allele origin: germline. Affected: yes. Observed: 1 variant allele.
Comment: MTOR: BP4, BP7

NM_004958.4(MTOR):c.4380T>C (p.Leu1460=)

Gene: MTOR (mechanistic target of rapamycin kinase; minus strand). Cytogenetic location: 1p36.22.
Variant type: single nucleotide variant.
Coding change: c.4380T>C on transcript NM_004958.4 (MANE Select); coding-DNA position 4380, T replaced by C.
Protein change: p.Leu1460=; no amino-acid change (leucine 1460 retained).
Molecular consequence: synonymous variant.
Genome position (GRCh38, 1-based): chr1:11,157,241, A>G on the plus strand (T>C on the coding strand, the complement: MTOR is on the minus strand). VCF-style: chr1-11157241-A-G. GRCh37 (hg19) VCF-style: chr1-11217298-A-G.
Other names: c.4380T>C, p.Leu1460= (NM_001386500.1); c.3132T>C, p.Leu1044= (NM_001386501.1).
Identifiers: ClinVar variation 4872689 (VCV004872689.2).